The following is an entry in ClinVar:

ClinVar aggregate classification (germline): Uncertain significance (1 of 4 stars; one submission).

Allele frequency attached by ClinVar (database versions not stated): TOPMed 0.00001.
gnomAD v4.1: 1 of 1,614,108 alleles (0.000062%); highest among the groups gnomAD compares: African/African-American, 0.0013%; no homozygotes.

Submission:

Labcorp Genetics (formerly Invitae), Labcorp
Classification: Uncertain significance. Last evaluated: 2025-07-14. Review status: criteria provided, single submitter. Criteria: Invitae Variant Classification Sherloc (09022015). Collection method: clinical testing. Allele origin: germline.
Comment: This sequence change replaces threonine, which is neutral and polar, with alanine, which is neutral and non-polar, at codon 473 of the FLNB protein (p.Thr473Ala). This variant is not present in population databases (gnomAD no frequency). This variant has not been reported in the literature in individuals affected with FLNB-related conditions. ClinVar contains an entry for this variant (Variation ID: 2972106). Invitae Evidence Modeling of protein sequence and biophysical properties (such as structural, functional, and spatial information, amino acid conservation, physicochemical variation, residue mobility, and thermodynamic stability) indicates that this missense variant is not expected to disrupt FLNB protein function with a negative predictive value of 95%. In summary, the available evidence is currently insufficient to determine the role of this variant in disease. Therefore, it has been classified as a Variant of Uncertain Significance.

NM_001457.4(FLNB):c.1417A>G (p.Thr473Ala)

Gene: FLNB (filamin B; plus strand). Cytogenetic location: 3p14.3.
Variant type: single nucleotide variant.
Coding change: c.1417A>G on transcript NM_001457.4 (MANE Select); coding-DNA position 1417, A replaced by G.
Protein change: p.Thr473Ala; replaces threonine 473 with alanine.
Molecular consequence: missense variant.
Genome position (GRCh38, 1-based): chr3:58,102,274, A>G. VCF-style: chr3-58102274-A-G. GRCh37 (hg19) VCF-style: chr3-58088001-A-G.
Other names: c.1417A>G, p.Thr473Ala (NM_001164317.2, NM_001164318.2, NM_001164319.2); short protein forms T473A.
Identifiers: ClinVar variation 2972106 (VCV002972106.3), dbSNP rs753534124, ClinGen allele CA75428803.